The following is an entry in ClinVar:

NM_003041.4(SLC5A2):c.843C>A (p.Leu281=)

Gene: SLC5A2 (solute carrier family 5 member 2; plus strand). Cytogenetic location: 16p11.2.
Variant type: single nucleotide variant.
Coding change: c.843C>A on transcript NM_003041.4 (MANE Select); coding-DNA position 843, C replaced by A.
Protein change: p.Leu281=; no amino-acid change (leucine 281 retained).
Molecular consequence: synonymous variant. On other transcripts: non-coding transcript variant (1).
Genome position (GRCh38, 1-based): chr16:31,487,717, C>A. VCF-style: chr16-31487717-C-A. GRCh37 (hg19) VCF-style: chr16-31499038-C-A.
Identifiers: ClinVar variation 3051298 (VCV003051298.3), dbSNP rs1221617003, ClinGen allele CA494936036.

ClinVar aggregate classification (germline): Uncertain significance. Review status: criteria provided, single submitter (1 of 4 stars). 2 submissions from 2 submitters: Uncertain significance (1). 1 of the submissions does not count toward it. Last evaluated 2024-01-08.

Conditions:
SLC5A2-related disorder. Also called: SLC5A2-related condition.
Familial renal glucosuria (GLYS). Also called: RENAL GLUCOSURIA, AUTOSOMAL DOMINANT; Familial renal glycosuria. Identifiers: Orphanet 69076, MedGen C3245525, MONDO:0009297, OMIM 233100.

gnomAD v4.1: 5 of 1,612,640 alleles (0.00031%); highest among the groups gnomAD compares: Non-Finnish European, 0.00034%; no homozygotes.

Submissions (2):

Fulgent Genetics
Classification: Uncertain significance for Familial renal glucosuria. Last evaluated: 2024-01-08. Review status: criteria provided, single submitter. Criteria: ACMG Guidelines, 2015. Collection method: clinical testing. Allele origin: germline.

PreventionGenetics, part of Exact Sciences
Classification: Likely benign for SLC5A2-related condition. Last evaluated: 2023-10-13. Review status: no assertion criteria provided. Collection method: clinical testing. Allele origin: germline. Not counted in ClinVar's aggregate classification.
Comment: This variant is classified as likely benign based on ACMG/AMP sequence variant interpretation guidelines (Richards et al. 2015 PMID: 25741868, with internal and published modifications).